The following is an entry in ClinVar:

NM_000199.5(SGSH):c.1364C>T (p.Pro455Leu)

Gene: SGSH (N-sulfoglucosamine sulfohydrolase; minus strand). Cytogenetic location: 17q25.3.
Variant type: single nucleotide variant.
Coding change: c.1364C>T on transcript NM_000199.5 (MANE Select); coding-DNA position 1364, C replaced by T.
Protein change: p.Pro455Leu; replaces proline 455 with leucine.
Molecular consequence: missense variant. On other transcripts: 3 prime UTR variant (2), non-coding transcript variant (1).
Genome position (GRCh38, 1-based): chr17:80,210,597, G>A on the plus strand (C>T on the coding strand, the complement: SGSH is on the minus strand). VCF-style: chr17-80210597-G-A. GRCh37 (hg19) VCF-style: chr17-78184396-G-A.
Other names: c.*451C>T (NM_001352921.3); c.*414C>T (NM_001352922.2); short protein forms P455L.
Identifiers: ClinVar variation 1366097 (VCV001366097.5), dbSNP rs766272590, ClinGen allele CA8817596.
Genomic context (GRCh38, chr17:80,210,597, plus strand): 5'-GTCTCCCACTGCCACTTGGCCAGCTGGTCCCGAAGCATCTCCAGAAGCTGAGCAAAGCGC[G>A]GGTCGGTGGCCAGGTTCTGGGTCTCGTGGGGGTCCCGGCTCCGGTCGTAGAGCTCCCAGC-3'
Protein context (NP_000190.1, residues 445-465): PHETQNLATD[Pro455Leu]RFAQLLEMLR

ClinVar aggregate classification (germline): Uncertain significance (1 of 4 stars; one submission).

Conditions:
Mucopolysaccharidosis, MPS-III-A (MPS3A). Also called: Mucopolysaccharidosis, type IIIA; mucopolysaccharidosis type 3A; MPS IIIA (Sanfilippo Syndrome Type A); HEPARAN SULFATE SULFATASE DEFICIENCY; Mucopolysaccharidosis type IIIA (Sanfilippo A); SANFILIPPO SYNDROME A. Identifiers: Orphanet 581, Orphanet 79269, MedGen C0086647, MONDO:0009655, OMIM 252900.

Allele frequency attached by ClinVar (database versions not stated): gnomAD 0.00006 and 0.00007; ExAC 0.00004; gnomAD exomes 0.00003; TOPMed 0.00004.
gnomAD v4.1: 17 of 1,613,416 alleles (0.0011%); highest among the groups gnomAD compares: African/African-American, 0.013%; no homozygotes.

Submission:

Labcorp Genetics (formerly Invitae), Labcorp
Classification: Uncertain significance for Mucopolysaccharidosis, MPS-III-A. Last evaluated: 2022-09-13. Review status: criteria provided, single submitter. Criteria: Invitae Variant Classification Sherloc (09022015). Collection method: clinical testing. Allele origin: germline.
Comment: This sequence change replaces proline, which is neutral and non-polar, with leucine, which is neutral and non-polar, at codon 455 of the SGSH protein (p.Pro455Leu). This variant is present in population databases (rs766272590, gnomAD 0.02%). This variant has not been reported in the literature in individuals affected with SGSH-related conditions. ClinVar contains an entry for this variant (Variation ID: 1366097). Advanced modeling of protein sequence and biophysical properties (such as structural, functional, and spatial information, amino acid conservation, physicochemical variation, residue mobility, and thermodynamic stability) has been performed at Invitae for this missense variant, however the output from this modeling did not meet the statistical confidence thresholds required to predict the impact of this variant on SGSH protein function. In summary, the available evidence is currently insufficient to determine the role of this variant in disease. Therefore, it has been classified as a Variant of Uncertain Significance.